The following is an entry in ClinVar:

NM_199242.3(UNC13D):c.1818G>A (p.Ala606=)

Gene: UNC13D (unc-13 homolog D; minus strand). Cytogenetic location: 17q25.1.
Variant type: single nucleotide variant.
Coding change: c.1818G>A on transcript NM_199242.3 (MANE Select); coding-DNA position 1818, G replaced by A.
Protein change: p.Ala606=; no amino-acid change (alanine 606 retained).
Molecular consequence: synonymous variant.
Genome position (GRCh38, 1-based): chr17:75,835,439, C>T on the plus strand (G>A on the coding strand, the complement: UNC13D is on the minus strand). VCF-style: chr17-75835439-C-T. GRCh37 (hg19) VCF-style: chr17-73831520-C-T.
Identifiers: ClinVar variation 757988 (VCV000757988.35), dbSNP rs200621516, ClinGen allele CA8772796.

ClinVar aggregate classification (germline): Likely benign. Review status: criteria provided, multiple submitters, no conflicts (2 of 4 stars). 3 submissions from 3 submitters: Likely benign (3). Last evaluated 2025-12-30.

Conditions:
Familial hemophagocytic lymphohistiocytosis 3 (FHL3). Also called: UNC13D-Related Familial Hemophagocytic Lymphohistiocytosis (UNC13D-fHLH). Identifiers: Orphanet 540, MedGen C1837174, MONDO:0012146, OMIM 608898.

Allele frequency attached by ClinVar (database versions not stated): ESP Exome Variant Server 0.00015; gnomAD 0.00022; TOPMed 0.00024; 1000 Genomes Project 0.00060; 1000 Genomes Project 30x 0.00062.
gnomAD v4.1: 81 of 1,612,928 alleles (0.005%); highest among the groups gnomAD compares: East Asian, 0.13%; no homozygotes.

Submissions (3):

Labcorp Genetics (formerly Invitae), Labcorp
Classification: Likely benign for Familial hemophagocytic lymphohistiocytosis 3. Last evaluated: 2025-12-30. Review status: criteria provided, single submitter. Criteria: Invitae Variant Classification Sherloc (09022015). Collection method: clinical testing. Allele origin: germline.

Blueprint Genetics
Classification: Likely benign. Last evaluated: 2024-01-12. Review status: criteria provided, single submitter. Criteria: ACMG Guidelines, 2015. Collection method: clinical testing. Allele origin: germline.

CeGaT Center for Human Genetics Tuebingen
Classification: Likely benign. Last evaluated: 2023-02-01. Review status: criteria provided, single submitter. Criteria: CeGaT Center For Human Genetics Tuebingen Variant Classification Criteria Version 2. Collection method: clinical testing. Allele origin: germline. Affected: yes. Observed: 1 variant allele.
Comment: UNC13D: BP4, BP7